The following is an entry in ClinVar:

ClinVar aggregate classification (germline): Likely benign (1 of 4 stars; one submission).

Submission:

Mayo Clinic Laboratories, Mayo Clinic
Classification: Likely benign. Last evaluated: 2025-09-16. Review status: criteria provided, single submitter. Criteria: ACMG Guidelines, 2015. Collection method: clinical testing. Allele origin: germline. Observed: 1 variant allele.
Comment: BP4, BP7

NM_001365276.2(TNXB):c.10692G>A (p.Val3564=)

Genes: TNXB (tenascin XB; minus strand), LOC106780803 (tenascin XB recombination region; plus strand). Cytogenetic location: 6p21.33.
Variant type: single nucleotide variant.
Coding change: c.10692G>A on transcript NM_001365276.2 (MANE Select); coding-DNA position 10692, G replaced by A.
Protein change: p.Val3564=; no amino-acid change (valine 3564 retained).
Molecular consequence: synonymous variant. On other transcripts: 5 prime UTR variant (1).
Genome position (GRCh38, 1-based): chr6:32,045,241, C>T on the plus strand (G>A on the coding strand, the complement: TNXB is on the minus strand). VCF-style: chr6-32045241-C-T. GRCh37 (hg19) VCF-style: chr6-32013018-C-T.
Other names: p.Val3562=; c.11433G>A, p.Val3811= (NM_001428335.1); c.10686G>A, p.Val3562= (NM_019105.8); c.-22G>A (NM_032470.4).
Identifiers: ClinVar variation 4684950 (VCV004684950.1).
Genomic context (GRCh38, chr6:32,045,241, plus strand): 5'-ATCAAAGGGGCCCTGGGCCACGCTCCACGAGAGGCGCATGGAGTCTGGGGTTGTGTCGGT[C>T]ACGGTCAGCACTCCTAGGCGGGGCTCTTCAGGAGGCTCAGGGGCCTCTGGGGCTAACTCT-3'
Protein context (NP_001352205.1, residues 3554-3574): PEEPRLGVLT[Val3564=]TDTTPDSMRL